The following is an entry in ClinVar:

ClinVar aggregate classification (germline): Pathogenic. Review status: criteria provided, multiple submitters, no conflicts (2 of 4 stars). 7 submissions from 7 submitters: Pathogenic (7). Last evaluated 2025-12-31.

Conditions:
Familial thoracic aortic aneurysm and aortic dissection (TAAD). Also called: Thoracic aortic aneurysms and dissections. Identifiers: Orphanet 91387, MedGen C4707243, MONDO:0019625.
Marfan syndrome (MFS). Also called: Marfan syndrome type 1; Marfan syndrome, classic; Marfan's syndrome; FBN1-Related Marfan Syndrome; MARFAN SYNDROME, TYPE I. Identifiers: Orphanet 284963, Orphanet 558, MedGen C0024796, MONDO:0007947, OMIM 154700.

Submissions (7):

Ambry Genetics
Classification: Pathogenic for Familial thoracic aortic aneurysm and aortic dissection. Last evaluated: 2025-12-31. Review status: criteria provided, single submitter. Criteria: Ambry Variant Classification Scheme 2023. Collection method: clinical testing. Allele origin: germline.
Comment: The p.C2535* pathogenic mutation (also known as c.7605C>A), located in coding exon 61 of the FBN1 gene, results from a C to A substitution at nucleotide position 7605. This changes the amino acid from a cysteine to a stop codon within coding exon 61. This variant was reported in individual(s) with features consistent with Marfan syndrome (Palz M et al. Am J Med Genet, 2000 Mar;91:212-21; Meester JAN et al. Genet Med, 2022 May;24:1045-1053). This variant is considered to be rare based on population cohorts in the Genome Aggregation Database (gnomAD). This alteration is expected to result in loss of function by premature protein truncation or nonsense-mediated mRNA decay. As such, this alteration is interpreted as a disease-causing mutation.

Labcorp Genetics (formerly Invitae), Labcorp
Classification: Pathogenic for Marfan syndrome; Familial thoracic aortic aneurysm and aortic dissection. Last evaluated: 2025-10-08. Review status: criteria provided, single submitter. Criteria: Invitae Variant Classification Sherloc (09022015). Collection method: clinical testing. Allele origin: germline.
Comment: This sequence change creates a premature translational stop signal (p.Cys2535*) in the FBN1 gene. It is expected to result in an absent or disrupted protein product. Loss-of-function variants in FBN1 are known to be pathogenic (PMID: 17657824, 19293843). This variant is not present in population databases (gnomAD no frequency). This premature translational stop signal has been observed in individuals with marfan syndrome (PMID: 10756346, 12938084). ClinVar contains an entry for this variant (Variation ID: 527183). For these reasons, this variant has been classified as Pathogenic.

Victorian Clinical Genetics Services, Murdoch Childrens Research Institute
Classification: Pathogenic for Marfan syndrome. Last evaluated: 2025-02-27. Review status: criteria provided, single submitter. Criteria: ACMG Guidelines, 2015. Collection method: clinical testing. Allele origin: germline. Affected: yes.
Comment: This variant is classified as Pathogenic. Evidence in support of pathogenic classification: Variant is predicted to cause nonsense-mediated decay (NMD) and loss of protein (premature termination codon is located at least 54 nucleotides upstream of the final exon-exon junction); Variant is absent from gnomAD (v2, v3 and v4); This variant has strong previous evidence of pathogenicity in unrelated individuals. This variant has been classified as pathogenic by clinical laboratories in ClinVar; Other NMD-predicted variant(s) comparable to the one identified in this case have very strong previous evidence for pathogenicity (DECIPHER, ClinVar). Additional information: This variant is heterozygous; This gene is predominantly associated with autosomal dominant disease; autosomal recessive forms of Marfan syndrome have rarely been reported (PMID: 27274304; 31950671); Dominant negative and loss of function are known mechanisms of disease in this gene and are associated with FBN1-related disease. Variants predicted to result in nonsense mediated decay cause loss of function effects, and are more commonly associated with severe Marfan syndrome (MIM#154700). Missense variants with both dominant negative and loss of function effects on protein function, are associated with Marfan syndrome and ectopia lentis (MIM#129600) (OMIM, PMID: 29357934). The exact genotype-phenotype correlation for this gene is still unclear, and is compounded by variable expressivity (PMID: 20301510); Variants in this gene are known to have variable expressivity. The genotype-phenotype correlations for this gene are unclear, with single variants reported in patients with a range of phenotypes (PMID: 20301510, OMIM); Inheritance information for this variant is not currently available in this individual.

GeneDx
Classification: Pathogenic. Last evaluated: 2023-03-24. Review status: criteria provided, single submitter. Criteria: GeneDx Variant Classification Process June 2021. Collection method: clinical testing. Allele origin: germline. Affected: yes.
Comment: Not observed at significant frequency in large population cohorts (gnomAD); Nonsense variant predicted to result in protein truncation or nonsense mediated decay in a gene for which loss of function is a known mechanism of disease; This variant is associated with the following publications: (PMID: 25525159, 35058154, 24941995, 19618372, 10756346)

Centre of Medical Genetics, University of Antwerp
Classification: Pathogenic for Marfan syndrome. Last evaluated: 2021-03-01. Review status: criteria provided, single submitter. Criteria: Submitter's publication. Collection method: research. Allele origin: unknown. Affected: yes. Observed: 2 variant alleles.
Comment: PM2, PVS1, PP1, PP4

Mayo Clinic Laboratories, Mayo Clinic
Classification: Pathogenic. Last evaluated: 2020-02-19. Review status: criteria provided, single submitter. Criteria: ACMG Guidelines, 2015. Collection method: clinical testing. Allele origin: germline. Observed: 1 variant allele.
Comment: PVS1, PM2

Center for Human Genetics, Inc
Classification: Pathogenic for Marfan syndrome. Last evaluated: 2016-11-01. Review status: criteria provided, single submitter. Criteria: ACMG Guidelines, 2015. Collection method: clinical testing. Allele origin: germline. Affected: yes.

Literature cited by the submitters: PubMed 10756346 (cited by 3 submitters); PubMed 35058154 (cited by Ambry Genetics); PubMed 17657824 (cited by Labcorp Genetics (formerly Invitae), Labcorp); PubMed 19293843 (cited by Labcorp Genetics (formerly Invitae), Labcorp); PubMed 12938084 (cited by Labcorp Genetics (formerly Invitae), Labcorp); PubMed 20301510 (cited by Victorian Clinical Genetics Services, Murdoch Childrens Research Institute); PubMed 29357934 (cited by Victorian Clinical Genetics Services, Murdoch Childrens Research Institute); PubMed 27274304 (cited by Victorian Clinical Genetics Services, Murdoch Childrens Research Institute); PubMed 19618372 (cited by Mayo Clinic Laboratories, Mayo Clinic).

NM_000138.5(FBN1):c.7605C>A (p.Cys2535Ter)

Gene: FBN1 (fibrillin 1; minus strand). Cytogenetic location: 15q21.1.
Variant type: single nucleotide variant.
Coding change: c.7605C>A on transcript NM_000138.5 (MANE Select); coding-DNA position 7605, C replaced by A.
Protein change: p.Cys2535Ter; replaces cysteine 2535 with a stop codon.
Molecular consequence: nonsense.
Genome position (GRCh38, 1-based): chr15:48,421,652, G>T on the plus strand (C>A on the coding strand, the complement: FBN1 is on the minus strand). VCF-style: chr15-48421652-G-T. GRCh37 (hg19) VCF-style: chr15-48713849-G-T.
Other names: short protein forms C2535*.
Identifiers: ClinVar variation 527183 (VCV000527183.33), dbSNP rs113544411, ClinGen allele CA392325737.